The following is an entry in ClinVar:

ClinVar aggregate classification (germline): Conflicting classifications of pathogenicity. Review status: criteria provided, conflicting classifications (1 of 4 stars). 2 submissions from 2 submitters: Likely pathogenic (1); Uncertain significance (1). Last evaluated 2023-10-05.

Conditions:
MYH7-related disorder. Also called: MYH7-related condition; MYH7-related disease; MYH7-related disorders.
Hypertrophic cardiomyopathy. Also called: HYPERTROPHIC MYOCARDIOPATHY. Identifiers: Orphanet 217569, MedGen C0007194, MeSH D002312, MONDO:0005045, HP:0001639.

Submissions (2):

PreventionGenetics, part of Exact Sciences
Classification: Likely pathogenic for MYH7-related condition. Last evaluated: 2023-10-05. Review status: criteria provided, single submitter. Criteria: ACMG Guidelines, 2015. Collection method: clinical testing. Allele origin: germline.
Comment: The MYH7 c.1981A>C variant is predicted to result in the amino acid substitution p.Asn661His. To our knowledge, this variant has not been reported in the literature or in a large population database, indicating this variant is rare. This variant is interpreted as likely pathogenic.

Labcorp Genetics (formerly Invitae), Labcorp
Classification: Uncertain significance for Hypertrophic cardiomyopathy. Last evaluated: 2022-07-19. Review status: criteria provided, single submitter. Criteria: Invitae Variant Classification Sherloc (09022015). Collection method: clinical testing. Allele origin: germline.
Comment: This variant is not present in population databases (gnomAD no frequency). In summary, the available evidence is currently insufficient to determine the role of this variant in disease. Therefore, it has been classified as a Variant of Uncertain Significance. This variant is found within a region of MYH7 between codons 181 and 937 that contains the majority of the myosin head domain. Missense variants in this region have been shown to be significantly overrepresented in individuals with hypertrophic cardiomyopathy (PMID: 27532257). Algorithms developed to predict the effect of missense changes on protein structure and function (SIFT, PolyPhen-2, Align-GVGD) all suggest that this variant is likely to be disruptive. ClinVar contains an entry for this variant (Variation ID: 1450799). This variant has not been reported in the literature in individuals affected with MYH7-related conditions. This sequence change replaces asparagine, which is neutral and polar, with histidine, which is basic and polar, at codon 661 of the MYH7 protein (p.Asn661His).

Literature cited by the submitters: PubMed 27532257 (cited by Labcorp Genetics (formerly Invitae), Labcorp).

NM_000257.4(MYH7):c.1981A>C (p.Asn661His)

Gene: MYH7 (myosin heavy chain 7; minus strand). Cytogenetic location: 14q11.2.
Variant type: single nucleotide variant.
Coding change: c.1981A>C on transcript NM_000257.4 (MANE Select); coding-DNA position 1981, A replaced by C.
Protein change: p.Asn661His; replaces asparagine 661 with histidine.
Molecular consequence: missense variant.
Genome position (GRCh38, 1-based): chr14:23,426,840, T>G on the plus strand (A>C on the coding strand, the complement: MYH7 is on the minus strand). VCF-style: chr14-23426840-T-G. GRCh37 (hg19) VCF-style: chr14-23896049-T-G.
Other names: c.1981A>C (NM_000257.3); short protein forms N661H.
Identifiers: ClinVar variation 1450799 (VCV001450799.6), dbSNP rs2138670306, ClinGen allele CA389049392.
Genomic context (GRCh38, chr14:23,426,840, plus strand): 5'-GAGACTTTGTCTCATTAGGGATGATACAACGTACAAAGTGGGGATGGGTGGAGCGCAAGT[T>G]GGTCATCAGCTTGTTCAGATTTTCCTGTGGCCAAAAATGCAATAGAGAAAAGTAAAGAAA-3'
Protein context (NP_000248.2, residues 651-671): HRENLNKLMT[Asn661His]LRSTHPHFVR